The following is an entry in ClinVar:

NM_178352.3(LCE1D):c.61A>C (p.Thr21Pro)

Gene: LCE1D (late cornified envelope 1D; plus strand). Cytogenetic location: 1q21.3.
Variant type: single nucleotide variant.
Coding change: c.61A>C on transcript NM_178352.3 (MANE Select); coding-DNA position 61, A replaced by C.
Protein change: p.Thr21Pro; replaces threonine 21 with proline.
Molecular consequence: missense variant.
Genome position (GRCh38, 1-based): chr1:152,797,855, A>C. VCF-style: chr1-152797855-A-C. GRCh37 (hg19) VCF-style: chr1-152770331-A-C.
Other names: short protein forms T21P.
Identifiers: ClinVar variation 2345802 (VCV002345802.7), dbSNP rs148081767, ClinGen allele CA1111908.
Genomic context (GRCh38, chr1:152,797,855, plus strand): 5'-ATGTCCTGCCAGCAGAGCCAGCAGCAGTGCCAGCCCCCTCCCAAGTGCACTCCCAAGTGC[A>C]CTCCCAAGTGCCCCGCCCCTAAATGTCCCCCTAAGTGCCCTCCAGTCTCTTCCTGCTGCA-3'
Protein context (NP_848129.1, residues 11-31): QPPPKCTPKC[Thr21Pro]PKCPAPKCPP

ClinVar aggregate classification (germline): Likely benign. Review status: criteria provided, multiple submitters, no conflicts (2 of 4 stars). 2 submissions from 2 submitters: Likely benign (2). Last evaluated 2025-12-01.

Allele frequency attached by ClinVar (database versions not stated): gnomAD 0.00006; gnomAD exomes 0.00006; ExAC 0.00012.
gnomAD v4.1: 80 of 1,433,062 alleles (0.0056%); highest among the groups gnomAD compares: African/African-American, 0.022%; 13 homozygotes.

Submissions (2):

CeGaT Center for Human Genetics Tuebingen
Classification: Likely benign. Last evaluated: 2025-12-01. Review status: criteria provided, single submitter. Criteria: CeGaT Center For Human Genetics Tuebingen Variant Classification Criteria Version 2. Collection method: clinical testing. Allele origin: germline. Affected: yes. Observed: 2 variant alleles.
Comment: LCE1D: BP4, BS2

Ambry Genetics
Classification: Likely benign. Last evaluated: 2022-08-16. Review status: criteria provided, single submitter. Criteria: Ambry Variant Classification Scheme 2023. Collection method: clinical testing. Allele origin: germline.